The following is an entry in ClinVar:

NM_015721.3(GEMIN4):c.627G>A (p.Ala209=)

Gene: GEMIN4 (gem nuclear organelle associated protein 4; minus strand). Cytogenetic location: 17p13.3.
Variant type: single nucleotide variant.
Coding change: c.627G>A on transcript NM_015721.3 (MANE Select); coding-DNA position 627, G replaced by A.
Protein change: p.Ala209=; no amino-acid change (alanine 209 retained).
Molecular consequence: synonymous variant.
Genome position (GRCh38, 1-based): chr17:747,416, C>T on the plus strand (G>A on the coding strand, the complement: GEMIN4 is on the minus strand). VCF-style: chr17-747416-C-T. GRCh37 (hg19) VCF-style: chr17-650656-C-T.
Identifiers: ClinVar variation 717055 (VCV000717055.19), dbSNP rs34245365, ClinGen allele CA8262853.

ClinVar aggregate classification (germline): Benign. Review status: criteria provided, multiple submitters, no conflicts (2 of 4 stars). 2 submissions from 2 submitters: Benign (2). Last evaluated 2026-03-01.

Allele frequency attached by ClinVar (database versions not stated): gnomAD 0.00347; ESP Exome Variant Server 0.00360; TOPMed 0.00387; 1000 Genomes Project 30x 0.00453; 1000 Genomes Project 0.00459.
gnomAD v4.1: 1,098 of 1,613,798 alleles (0.068%); highest among the groups gnomAD compares: African/African-American, 1.3%; 14 homozygotes.

Submissions (2):

CeGaT Center for Human Genetics Tuebingen
Classification: Benign. Last evaluated: 2026-03-01. Review status: criteria provided, single submitter. Criteria: CeGaT Center For Human Genetics Tuebingen Variant Classification Criteria Version 2. Collection method: clinical testing. Allele origin: germline. Affected: yes. Observed: 2 variant alleles.
Comment: GEMIN4: BP4, BP7, BS1, BS2

Labcorp Genetics (formerly Invitae), Labcorp
Classification: Benign. Last evaluated: 2018-06-26. Review status: criteria provided, single submitter. Criteria: Invitae Variant Classification Sherloc (09022015). Collection method: clinical testing. Allele origin: germline.